The following is an entry in ClinVar:

ClinVar aggregate classification (germline): Benign. Review status: criteria provided, multiple submitters, no conflicts (2 of 4 stars). 6 submissions from 6 submitters: Benign (6). Last evaluated 2026-02-04.

Conditions:
Congenital microvillous atrophy (DIAR2). Also called: DAVIDSON DISEASE; MICROVILLUS ATROPHY, CONGENITAL; Microvillus inclusion disease; Diarrhea 2 with microvillus atrophy, with or without cholestasis; CONGENITAL FAMILIAL PROTRACTED DIARRHEA WITH ENTEROCYTE BRUSH-BORDER ABNORMALITIES. Identifiers: Orphanet 2290, MedGen C0341306, MONDO:0009635, OMIM 251850.

Allele frequency attached by ClinVar (database versions not stated): ESP Exome Variant Server 0.05057; gnomAD exomes 0.07137 and 0.12076; gnomAD 0.07389 and 0.07971; TOPMed 0.09574; ExAC 0.10870; 1000 Genomes Project 30x 0.14257; 1000 Genomes Project 0.14437.
gnomAD v4.1: 116,634 of 1,613,512 alleles (7.2%); highest among the groups gnomAD compares: East Asian, 35%; 9,225 homozygotes.

Submissions (6):

Labcorp Genetics (formerly Invitae), Labcorp
Classification: Benign. Last evaluated: 2026-02-04. Review status: criteria provided, single submitter. Criteria: Invitae Variant Classification Sherloc (09022015). Collection method: clinical testing. Allele origin: germline.

Mayo Clinic Laboratories, Mayo Clinic
Classification: Benign. Last evaluated: 2022-09-06. Review status: criteria provided, single submitter. Criteria: ACMG Guidelines, 2015. Collection method: clinical testing. Allele origin: germline. Observed: 12 variant alleles.

GeneDx
Classification: Benign. Last evaluated: 2021-06-09. Review status: criteria provided, single submitter. Criteria: GeneDx Variant Classification Process June 2021. Collection method: clinical testing. Allele origin: germline. Affected: yes.

Illumina Laboratory Services, Illumina
Classification: Benign for Congenital microvillous atrophy. Last evaluated: 2018-01-13. Review status: criteria provided, single submitter. Criteria: ICSL Variant Classification Criteria 13 December 2019. Collection method: clinical testing. Allele origin: germline.
Comment: This variant was observed in the ICSL laboratory as part of a predisposition screen in an ostensibly healthy population. It had not been previously curated by ICSL or reported in the Human Gene Mutation Database (HGMD: prior to June 1st, 2018), and was therefore a candidate for classification through an automated scoring system. Utilizing variant allele frequency, disease prevalence and penetrance estimates, and inheritance mode, an automated score was calculated to assess if this variant is too frequent to cause the disease. Based on the score and internal cut-off values, a variant classified as benign is not then subjected to further curation. The score for this variant resulted in a classification of benign for this disease.

Laboratory for Molecular Medicine, Mass General Brigham Personalized Medicine
Classification: Benign. Last evaluated: 2016-03-28. Review status: criteria provided, single submitter. Criteria: LMM Criteria. Collection method: clinical testing. Allele origin: germline.
Comment: Variant identified in a genome or exome case(s) and assessed due to predicted null impact of the variant or pathogenic assertions in the literature or databases. Disclaimer: This variant has not undergone full assessment. The following are preliminary notes: MAF

Breakthrough Genomics
Classification: Benign. Review status: criteria provided, single submitter. Criteria: ACMG Guidelines, 2015. Collection method: not provided. Allele origin: germline. Inheritance: Autosomal recessive inheritance. Affected: yes.

NM_001080467.3(MYO5B):c.3962G>A (p.Gly1321Glu)

Gene: MYO5B (myosin VB; minus strand). Cytogenetic location: 18q21.1.
Variant type: single nucleotide variant.
Coding change: c.3962G>A on transcript NM_001080467.3 (MANE Select); coding-DNA position 3962, G replaced by A.
Protein change: p.Gly1321Glu; replaces glycine 1321 with glutamic acid.
Molecular consequence: missense variant.
Genome position (GRCh38, 1-based): chr18:49,856,873, C>T on the plus strand (G>A on the coding strand, the complement: MYO5B is on the minus strand). VCF-style: chr18-49856873-C-T. GRCh37 (hg19) VCF-style: chr18-47383243-C-T.
Other names: short protein forms G1321E.
Identifiers: ClinVar variation 327017 (VCV000327017.19), dbSNP rs1942418, ClinGen allele CA8960498.
Genomic context (GRCh38, chr18:49,856,873, plus strand): 5'-CTGGCAACTTGCTTTAGGCCTTGGTAGGCCAAGCCGAGTTCTCCATCTTCATTTAAATAT[C>T]CCCAATCCTCAGTCTTGCTAGAAACAAAGGACAGAAAAACAGGGTGTCCAGTGTAGACGG-3'
Protein context (NP_001073936.1, residues 1311-1331): CQTNSKTEDW[Gly1321Glu]YLNEDGELGL